The following is an entry in ClinVar:

NM_006015.6(ARID1A):c.3077G>C (p.Arg1026Pro)

Gene: ARID1A (AT-rich interaction domain 1A; plus strand). Cytogenetic location: 1p36.11.
Variant type: single nucleotide variant.
Coding change: c.3077G>C on transcript NM_006015.6 (MANE Select); coding-DNA position 3077, G replaced by C.
Protein change: p.Arg1026Pro; replaces arginine 1026 with proline.
Molecular consequence: missense variant.
Genome position (GRCh38, 1-based): chr1:26,767,878, G>C. VCF-style: chr1-26767878-G-C. GRCh37 (hg19) VCF-style: chr1-27094369-G-C.
Other names: c.3077G>C, p.Arg1026Pro (NM_139135.4); short protein forms R1026P.
Identifiers: ClinVar variation 4990999 (VCV004990999.1).

ClinVar aggregate classification (germline): Uncertain significance (1 of 4 stars; one submission).

Conditions:
ARID1A-related disorder. Also called: ARID1A-related condition.

Submission:

PreventionGenetics, part of Exact Sciences
Classification: Uncertain significance for ARID1A-related condition. Last evaluated: 2026-03-18. Review status: criteria provided, single submitter. Criteria: ACMG Guidelines, 2015. Collection method: clinical testing. Allele origin: germline.
Comment: The ARID1A c.3077G>C variant is predicted to result in the amino acid substitution p.Arg1026Pro. To our knowledge, this variant has not been reported in the literature or in a large population database (gnomAD), indicating this variant is rare. At this time, the clinical significance of this variant is uncertain due to the absence of conclusive functional and genetic evidence.